The following is an entry in ClinVar:

NM_152564.5(VPS13B):c.2812T>G (p.Cys938Gly)

Gene: VPS13B (vacuolar protein sorting 13 homolog B; plus strand). Cytogenetic location: 8q22.2.
Variant type: single nucleotide variant.
Coding change: c.2812T>G on transcript NM_152564.5 (MANE Select); coding-DNA position 2812, T replaced by G.
Protein change: p.Cys938Gly; replaces cysteine 938 with glycine.
Molecular consequence: missense variant.
Genome position (GRCh38, 1-based): chr8:99,275,242, T>G. VCF-style: chr8-99275242-T-G. GRCh37 (hg19) VCF-style: chr8-100287470-T-G.
Other names: c.2812T>G, p.Cys938Gly (NM_017890.5); short protein forms C938G.
Identifiers: ClinVar variation 966036 (VCV000966036.9), dbSNP rs1818832537, ClinGen allele CA371862877.

ClinVar aggregate classification (germline): Uncertain significance (1 of 4 stars; one submission).

Conditions:
Cohen syndrome (COH1). Also called: Cutis verticis gyrata, retinitis pigmentosa, and sensorineural deafness; PEPPER SYNDROME. Identifiers: Orphanet 193, MedGen C0265223, MONDO:0008999, OMIM 216550.

Submission:

Labcorp Genetics (formerly Invitae), Labcorp
Classification: Uncertain significance for Cohen syndrome. Last evaluated: 2022-09-27. Review status: criteria provided, single submitter. Criteria: Invitae Variant Classification Sherloc (09022015). Collection method: clinical testing. Allele origin: germline.
Comment: In summary, the available evidence is currently insufficient to determine the role of this variant in disease. Therefore, it has been classified as a Variant of Uncertain Significance. ClinVar contains an entry for this variant (Variation ID: 966036). Advanced modeling of protein sequence and biophysical properties (such as structural, functional, and spatial information, amino acid conservation, physicochemical variation, residue mobility, and thermodynamic stability) performed at Invitae indicates that this missense variant is not expected to disrupt VPS13B protein function. This variant has not been reported in the literature in individuals affected with VPS13B-related conditions. This variant is not present in population databases (gnomAD no frequency). This sequence change replaces cysteine, which is neutral and slightly polar, with glycine, which is neutral and non-polar, at codon 938 of the VPS13B protein (p.Cys938Gly).